The following is an entry in ClinVar:

ClinVar aggregate classification (germline): Likely benign. Review status: criteria provided, single submitter (1 of 4 stars). 2 submissions from 2 submitters: Likely benign (1). 1 of the submissions does not count toward it. Last evaluated 2026-06-01.

Conditions:
TANC2-related disorder. Also called: TANC2-related condition.

Allele frequency attached by ClinVar (database versions not stated): gnomAD exomes 0.00025; ExAC 0.00057; gnomAD 0.00181; ESP Exome Variant Server 0.00186; TOPMed 0.00201; 1000 Genomes Project 30x 0.00203; 1000 Genomes Project 0.00220.
gnomAD v4.1: 652 of 1,609,768 alleles (0.041%); highest among the groups gnomAD compares: African/African-American, 0.6%; 1 homozygote.

Submissions (2):

CeGaT Center for Human Genetics Tuebingen
Classification: Likely benign. Last evaluated: 2026-06-01. Review status: criteria provided, single submitter. Criteria: CeGaT Center For Human Genetics Tuebingen Variant Classification Criteria Version 2. Collection method: clinical testing. Allele origin: germline. Affected: yes. Observed: 4 variant alleles.
Comment: TANC2: BP4, BP7, BS1

PreventionGenetics, part of Exact Sciences
Classification: Benign for TANC2-related condition. Last evaluated: 2022-12-29. Review status: no assertion criteria provided. Collection method: clinical testing. Allele origin: germline. Not counted in ClinVar's aggregate classification.
Comment: This variant is classified as benign based on ACMG/AMP sequence variant interpretation guidelines (Richards et al. 2015 PMID: 25741868, with internal and published modifications).

NM_001394998.1(TANC2):c.1920C>T (p.Ile640=)

Gene: TANC2 (tetratricopeptide repeat, ankyrin repeat and coiled-coil containing 2; plus strand). Cytogenetic location: 17q23.3.
Variant type: single nucleotide variant.
Coding change: c.1920C>T on transcript NM_001394998.1 (MANE Select); coding-DNA position 1920, C replaced by T.
Protein change: p.Ile640=; no amino-acid change (isoleucine 640 retained).
Molecular consequence: synonymous variant.
Genome position (GRCh38, 1-based): chr17:63,351,362, C>T. VCF-style: chr17-63351362-C-T. GRCh37 (hg19) VCF-style: chr17-61428723-C-T.
Other names: c.1698C>T, p.Ile566= (NM_001411076.1, NM_025185.4); c.1698C>T (NM_025185.3).
Identifiers: ClinVar variation 2648050 (VCV002648050.25), dbSNP rs115663265, ClinGen allele CA8697692.
Genomic context (GRCh38, chr17:63,351,362, plus strand): 5'-AGCAGAATTTCACAAACCGGATTATGGGGATACAATTGTATCGTTTCTGAGTAAAATGAT[C>T]GGAAAGTTTCCTTCTTGGCTCAAACTAATTGTAACAGTTAGGACCAGTTTACAGGTATGT-3'
Protein context (NP_001381927.1, residues 630-650): DTIVSFLSKM[Ile640=]GKFPSWLKLI